The following is an entry in ClinVar:

ClinVar aggregate classification (germline): Likely pathogenic (0 of 4 stars; one submission).

Conditions:
Autosomal recessive nonsyndromic hearing loss 3. Also called: NEUROSENSORY NONSYNDROMIC RECESSIVE DEAFNESS 3. Identifiers: Orphanet 90636, MedGen C1838263, MONDO:0010860, OMIM 600316.

Submission:

Department of Pediatrics, Division of Medical Genetics, Faculty of Medicine Ramathibodi Hospital, Mahidol University
Classification: Likely pathogenic for Autosomal recessive nonsyndromic hearing loss 3. Last evaluated: 2025-03-12. Review status: no assertion criteria provided. Collection method: research. Allele origin: germline. Inheritance: Autosomal recessive inheritance. Affected: yes. Observed: 2 variant alleles, 2 compound heterozygotes.
Comment: This sequence change creates a premature translational stop signal (p.Ser1176Valfs*14) in the MYO15A gene. It is expected to result in an absent or disrupted protein product. Loss-of-function variants in MYO15A are known to be pathogenic (PMID: 17546645). This variant is not observed in the gnomAD. This premature translational stop signal has been observed in individuals with early onset deafness (PMID: 26810297, 30953472, 31581539, 34416374). It has also been observed to segregate with disease in related individuals. For these reasons, this variant has been classified as Pathogenic.

Literature cited by the submitters: PubMed 17546645; PubMed 26810297; PubMed 30953472; PubMed 31581539; PubMed 34416374.

NM_016239.4(MYO15A):c.3525dup (p.Ser1176fs)

Gene: MYO15A (myosin XVA; plus strand). Cytogenetic location: 17p11.2.
Variant type: Duplication.
Coding change: c.3525dup on transcript NM_016239.4 (MANE Select); coding-DNA position 3525, one base duplicated (G; older notation c.3525dupG).
Protein change: p.Ser1176fs; shifts the reading frame from serine 1176.
Molecular consequence: frameshift variant.
Genome position (GRCh38, 1-based): chr17:18,122,325, G duplicated. VCF-style (leftmost placement, unchanged base first): chr17-18122324-A-AG. GRCh37 (hg19) VCF-style: chr17-18025638-A-AG.
Other names: short protein forms S1176fs.
Identifiers: ClinVar variation 3774371 (VCV003774371.1).